The following is an entry in ClinVar:

ClinVar aggregate classification (germline): Uncertain significance (1 of 4 stars; one submission).

gnomAD v4.1: 2 of 1,613,756 alleles (0.00012%); highest among the groups gnomAD compares: Non-Finnish European, 0.00017%; no homozygotes.

Submission:

Ambry Genetics
Classification: Uncertain significance. Last evaluated: 2024-06-04. Review status: criteria provided, single submitter. Criteria: Ambry Variant Classification Scheme 2023. Collection method: clinical testing. Allele origin: germline.
Comment: The p.G263V variant (also known as c.788G>T), located in coding exon 6 of the POLQ gene, results from a G to T substitution at nucleotide position 788. The glycine at codon 263 is replaced by valine, an amino acid with dissimilar properties. This amino acid position is conserved. In addition, this alteration is predicted to be deleterious by in silico analysis. Based on the available evidence, the clinical significance of this variant remains unclear.

NM_199420.4(POLQ):c.788G>T (p.Gly263Val)

Gene: POLQ (DNA polymerase theta; minus strand). Cytogenetic location: 3q13.33.
Variant type: single nucleotide variant.
Coding change: c.788G>T on transcript NM_199420.4 (MANE Select); coding-DNA position 788, G replaced by T.
Protein change: p.Gly263Val; replaces glycine 263 with valine.
Molecular consequence: missense variant.
Genome position (GRCh38, 1-based): chr3:121,533,162, C>A on the plus strand (G>T on the coding strand, the complement: POLQ is on the minus strand). VCF-style: chr3-121533162-C-A. GRCh37 (hg19) VCF-style: chr3-121252009-C-A.
Other names: short protein forms G263V.
Identifiers: ClinVar variation 3308528 (VCV003308528.1).